The following is an entry in ClinVar:

NM_001170700.3(DTHD1):c.972A>T (p.Glu324Asp)

Gene: DTHD1 (death domain containing 1; plus strand). Cytogenetic location: 4p14.
Variant type: single nucleotide variant.
Coding change: c.972A>T on transcript NM_001170700.3 (MANE Select); coding-DNA position 972, A replaced by T.
Protein change: p.Glu324Asp; replaces glutamic acid 324 with aspartic acid.
Molecular consequence: missense variant. On other transcripts: non-coding transcript variant (2).
Genome position (GRCh38, 1-based): chr4:36,290,457, A>T. VCF-style: chr4-36290457-A-T. GRCh37 (hg19) VCF-style: chr4-36292079-A-T.
Other names: c.102A>T, p.Glu34Asp (NM_001136536.5, NM_001378435.1); short protein forms E324D, E34D.
Identifiers: ClinVar variation 1414337 (VCV001414337.6), dbSNP rs1206265525, ClinGen allele CA356678748.
Genomic context (GRCh38, chr4:36,290,457, plus strand): 5'-TACTGGCCCCCAAGTGTCTTGTTATATTACAGCACCATCATATGTTCTACAACAACTAGA[A>T]TGCCGGATAATAAATCACATGAGTTCTTTAATAGTGGGTGATAATGAAGAGTTAGTTAGC-3'
Protein context (NP_001164171.2, residues 314-334): TAPSYVLQQL[Glu324Asp]CRIINHMSSL

ClinVar aggregate classification (germline): Uncertain significance (1 of 4 stars; one submission).

Allele frequency attached by ClinVar (database versions not stated): gnomAD exomes below 0.00001 and 0.00001.
gnomAD v4.1: 3 of 1,551,942 alleles (0.00019%); highest among the groups gnomAD compares: Non-Finnish European, 0.00026%; no homozygotes.

Submission:

Labcorp Genetics (formerly Invitae), Labcorp
Classification: Uncertain significance. Last evaluated: 2025-01-06. Review status: criteria provided, single submitter. Criteria: Invitae Variant Classification Sherloc (09022015). Collection method: clinical testing. Allele origin: germline.
Comment: This sequence change replaces glutamic acid, which is acidic and polar, with aspartic acid, which is acidic and polar, at codon 34 of the DTHD1 protein (p.Glu34Asp). This variant is present in population databases (no rsID available, gnomAD 0.002%). This variant has not been reported in the literature in individuals affected with DTHD1-related conditions. ClinVar contains an entry for this variant (Variation ID: 1414337). An algorithm developed to predict the effect of missense changes on protein structure and function outputs the following: PolyPhen-2: "Benign". The aspartic acid amino acid residue is found in multiple mammalian species, which suggests that this missense change does not adversely affect protein function. In summary, the available evidence is currently insufficient to determine the role of this variant in disease. Therefore, it has been classified as a Variant of Uncertain Significance.